The following is an entry in ClinVar:

NM_017763.6(RNF43):c.1600G>C (p.Asp534His)

Gene: RNF43 (ring finger protein 43; minus strand). Cytogenetic location: 17q22.
Variant type: single nucleotide variant.
Coding change: c.1600G>C on transcript NM_017763.6 (MANE Select); coding-DNA position 1600, G replaced by C.
Protein change: p.Asp534His; replaces aspartic acid 534 with histidine.
Molecular consequence: missense variant.
Genome position (GRCh38, 1-based): chr17:58,358,176, C>G on the plus strand (G>C on the coding strand, the complement: RNF43 is on the minus strand). VCF-style: chr17-58358176-C-G. GRCh37 (hg19) VCF-style: chr17-56435537-C-G.
Other names: c.1600G>C, p.Asp534His (NM_001305544.3); c.1219G>C, p.Asp407His (NM_001305545.2); short protein forms D534H, D407H.
Identifiers: ClinVar variation 1426426 (VCV001426426.10), dbSNP rs1206291155, ClinGen allele CA400329199.

ClinVar aggregate classification (germline): Uncertain significance. Review status: criteria provided, multiple submitters, no conflicts (2 of 4 stars). 3 submissions from 3 submitters: Uncertain significance (3). Last evaluated 2025-01-06.

Allele frequency attached by ClinVar (database versions not stated): TOPMed below 0.00001; gnomAD 0.00001; gnomAD exomes 0.00001.

Submissions (3):

Ambry Genetics
Classification: Uncertain significance. Last evaluated: 2025-01-06. Review status: criteria provided, single submitter. Criteria: Ambry Variant Classification Scheme 2023. Collection method: clinical testing. Allele origin: germline.
Comment: The p.D534H variant (also known as c.1600G>C), located in coding exon 8 of the RNF43 gene, results from a G to C substitution at nucleotide position 1600. The aspartic acid at codon 534 is replaced by histidine, an amino acid with similar properties. This amino acid position is conserved. In addition, this alteration is predicted to be tolerated by in silico analysis. Based on the available evidence, the clinical significance of this variant remains unclear.

GeneDx
Classification: Uncertain significance. Last evaluated: 2022-07-14. Review status: criteria provided, single submitter. Criteria: GeneDx Variant Classification Process June 2021. Collection method: clinical testing. Allele origin: germline. Affected: yes.
Comment: Not observed at significant frequency in large population cohorts (gnomAD); In silico analysis supports that this missense variant does not alter protein structure/function; Has not been previously published as pathogenic or benign to our knowledge; Variants in candidate genes are classified as variants of uncertain significance in accordance with ACMG guidelines (Richards et al., 2015)

Labcorp Genetics (formerly Invitae), Labcorp
Classification: Uncertain significance. Last evaluated: 2020-11-15. Review status: criteria provided, single submitter. Criteria: Invitae Variant Classification Sherloc (09022015). Collection method: clinical testing. Allele origin: germline.
Comment: This sequence change replaces aspartic acid with histidine at codon 534 of the RNF43 protein (p.Asp534His). The aspartic acid residue is highly conserved and there is a moderate physicochemical difference between aspartic acid and histidine. This variant is not present in population databases (ExAC no frequency). This variant has not been reported in the literature in individuals with RNF43-related conditions. Algorithms developed to predict the effect of missense changes on protein structure and function are either unavailable or do not agree on the potential impact of this missense change (SIFT: "Deleterious"; PolyPhen-2: "Probably Damaging"; Align-GVGD: "Class C0"). In summary, the available evidence is currently insufficient to determine the role of this variant in disease. Therefore, it has been classified as a Variant of Uncertain Significance.